The following is an entry in ClinVar:

NM_005219.5(DIAPH1):c.3662-1940A>C

Gene: DIAPH1 (diaphanous related formin 1; minus strand). Cytogenetic location: 5q31.3.
Variant type: single nucleotide variant.
Coding change: c.3662-1940A>C on transcript NM_005219.5 (MANE Select); 1940 bases into the intron before coding-DNA position 3662, A replaced by C.
Molecular consequence: intron variant. On other transcripts: missense variant (1).
Genome position (GRCh38, 1-based): chr5:141,518,948, T>G on the plus strand (A>C on the coding strand, the complement: DIAPH1 is on the minus strand). VCF-style: chr5-141518948-T-G. GRCh37 (hg19) VCF-style: chr5-140898515-T-G.
Other names: c.3710A>C, p.Lys1237Thr (NM_001314007.2); c.3635-1940A>C (NM_001079812.3); c.3710A>C (NM_001314007.1); short protein forms K1237T.
Identifiers: ClinVar variation 4972319 (VCV004972319.2).

ClinVar aggregate classification (germline): Conflicting classifications of pathogenicity. Review status: criteria provided, conflicting classifications (1 of 4 stars). 2 submissions from 2 submitters: Uncertain significance (1); Likely benign (1). Last evaluated 2025-06-09.

Conditions:
DIAPH1-related disorder. Also called: DIAPH1-related condition.

gnomAD v4.1: 165 of 1,550,462 alleles (0.011%); highest among the groups gnomAD compares: Non-Finnish European, 0.014%; no homozygotes.

Submissions (2):

PreventionGenetics, part of Exact Sciences
Classification: Uncertain significance for DIAPH1-related condition. Last evaluated: 2025-06-09. Review status: criteria provided, single submitter. Criteria: ACMG Guidelines, 2015. Collection method: clinical testing. Allele origin: germline.
Comment: The DIAPH1 c.3710A>C variant is predicted to result in the amino acid substitution p.Lys1237Thr. To our knowledge, this variant has not been reported in the literature. This variant is reported in 0.011% of alleles in individuals of European (Non-Finnish) descent in gnomAD. At this time, the clinical significance of this variant is uncertain due to the absence of conclusive functional and genetic evidence.

Blueprint Genetics
Classification: Likely benign. Last evaluated: 2024-09-30. Review status: criteria provided, single submitter. Criteria: ACMG Guidelines, 2015. Collection method: clinical testing. Allele origin: germline.